The following is an entry in ClinVar:

ClinVar aggregate classification (germline): Likely benign. Review status: criteria provided, multiple submitters, no conflicts (2 of 4 stars). 4 submissions from 4 submitters: Likely benign (4). Last evaluated 2026-09-01.

Conditions:
Hereditary spastic paraplegia. Also called: Familial spastic paraparesis. Identifiers: Orphanet 685, MedGen C0037773, MONDO:0019064. Disease mechanism: loss of function.

Allele frequency attached by ClinVar (database versions not stated): gnomAD 0.00011 and 0.00017; 1000 Genomes Project 30x 0.00016; TOPMed 0.00016; 1000 Genomes Project 0.00020; gnomAD exomes 0.00020 and 0.00030; ExAC 0.00033.
gnomAD v4.1: 335 of 1,614,068 alleles (0.021%); highest among the groups gnomAD compares: South Asian, 0.16%; 4 homozygotes.

Submissions (4):

CeGaT Center for Human Genetics Tuebingen
Classification: Likely benign. Last evaluated: 2026-09-01. Review status: criteria provided, single submitter. Criteria: CeGaT Center For Human Genetics Tuebingen Variant Classification Criteria Version 2. Collection method: clinical testing. Allele origin: germline. Affected: yes. Observed: 1 variant allele.
Comment: SPART: BP4, BP7

Labcorp Genetics (formerly Invitae), Labcorp
Classification: Likely benign. Last evaluated: 2025-08-11. Review status: criteria provided, single submitter. Criteria: Invitae Variant Classification Sherloc (09022015). Collection method: clinical testing. Allele origin: germline.

GeneDx
Classification: Likely benign. Last evaluated: 2020-10-23. Review status: criteria provided, single submitter. Criteria: GeneDx Variant Classification Process June 2021. Collection method: clinical testing. Allele origin: germline. Affected: yes.

Genome Diagnostics Laboratory, The Hospital for Sick Children
Classification: Likely benign for Hereditary spastic paraplegia. Last evaluated: 2019-05-01. Review status: criteria provided, single submitter. Criteria: ACMG Guidelines, 2015. Collection method: clinical testing. Allele origin: germline. Affected: yes.

NM_015087.5(SPART):c.1689C>T (p.Ile563=)

Gene: SPART (spartin; minus strand). Cytogenetic location: 13q13.3.
Variant type: single nucleotide variant.
Coding change: c.1689C>T on transcript NM_015087.5 (MANE Select); coding-DNA position 1689, C replaced by T.
Protein change: p.Ile563=; no amino-acid change (isoleucine 563 retained).
Molecular consequence: synonymous variant.
Genome position (GRCh38, 1-based): chr13:36,312,189, G>A on the plus strand (C>T on the coding strand, the complement: SPART is on the minus strand). VCF-style: chr13-36312189-G-A. GRCh37 (hg19) VCF-style: chr13-36886326-G-A.
Other names: c.1689C>T, p.Ile563= (NM_001142294.2, NM_001142295.2, NM_001142296.2).
Identifiers: ClinVar variation 695814 (VCV000695814.16), dbSNP rs201030352, ClinGen allele CA6949319.